The following is an entry in ClinVar:

ClinVar aggregate classification (germline): Conflicting classifications of pathogenicity. Review status: criteria provided, conflicting classifications (1 of 4 stars). 24 submissions from 24 submitters: Uncertain significance (2); Benign (6); Likely benign (9). 7 of the submissions do not count toward it. Last evaluated 2026-02-02.

Conditions:
Hereditary cancer-predisposing syndrome. Also called: Tumor predisposition; Hereditary neoplastic syndrome; Neoplastic Syndromes, Hereditary; Hereditary Cancer Syndrome. Identifiers: Orphanet 140162, MedGen C0027672, MeSH D009386, MONDO:0015356.
Microcephaly, normal intelligence and immunodeficiency (NBS). Also called: Immunodeficiency, microcephaly with normal intelligence; Ataxia telangiectasia variant V1; IMMUNODEFICIENCY, MICROCEPHALY, AND CHROMOSOMAL INSTABILITY; SEEMANOVA SYNDROME II; Nijmegen breakage syndrome; Microcephaly with normal intelligence immunodeficiency and lymphoreticular malignancies. Identifiers: Orphanet 647, MedGen C0398791, MONDO:0009623, OMIM 251260.

Allele frequency attached by ClinVar (database versions not stated): 1000 Genomes Project 30x 0.00062; 1000 Genomes Project 0.00080; gnomAD exomes 0.00173 and 0.00233; gnomAD 0.00182 and 0.00188; TOPMed 0.00182; ExAC 0.00186; ESP Exome Variant Server 0.00223.
gnomAD v4.1: 3,652 of 1,614,012 alleles (0.23%); highest among the groups gnomAD compares: Non-Finnish European, 0.28%; 4 homozygotes.

Submissions 1 to 20 of 24:

Labcorp Genetics (formerly Invitae), Labcorp
Classification: Benign for Microcephaly, normal intelligence and immunodeficiency. Last evaluated: 2026-02-02. Review status: criteria provided, single submitter. Criteria: Invitae Variant Classification Sherloc (09022015). Collection method: clinical testing. Allele origin: germline.

CeGaT Center for Human Genetics Tuebingen
Classification: Likely benign. Last evaluated: 2025-10-01. Review status: criteria provided, single submitter. Criteria: CeGaT Center For Human Genetics Tuebingen Variant Classification Criteria Version 2. Collection method: clinical testing. Allele origin: germline. Affected: yes. Observed: 18 variant alleles.
Comment: NBN: BS1

ARUP Laboratories, Molecular Genetics and Genomics, ARUP Laboratories
Classification: Benign. Last evaluated: 2025-06-23. Review status: criteria provided, single submitter. Criteria: ARUP Molecular Germline Variant Investigation Process 2024. Collection method: clinical testing. Allele origin: germline.

Blueprint Genetics
Classification: Likely benign. Last evaluated: 2024-11-21. Review status: criteria provided, single submitter. Criteria: ACMG Guidelines, 2015. Collection method: clinical testing. Allele origin: germline.

Mayo Clinic Laboratories, Mayo Clinic
Classification: Uncertain significance. Last evaluated: 2022-10-06. Review status: criteria provided, single submitter. Criteria: ACMG Guidelines, 2015. Collection method: clinical testing. Allele origin: germline. Observed: 2 variant alleles.
Comment: BS1

Genetic Services Laboratory, University of Chicago
Classification: Benign. Last evaluated: 2021-05-27. Review status: criteria provided, single submitter. Criteria: ACMG Guidelines, 2015. Collection method: clinical testing. Allele origin: germline. Affected: no.

Genome-Nilou Lab
Classification: Likely benign for Microcephaly, normal intelligence and immunodeficiency. Last evaluated: 2021-05-18. Review status: criteria provided, single submitter. Criteria: ACMG Guidelines, 2015. Collection method: clinical testing. Allele origin: germline. Affected: no.

Sema4
Classification: Likely benign for Hereditary cancer-predisposing syndrome. Last evaluated: 2021-04-13. Review status: criteria provided, single submitter. Criteria: Sema4 Curation Guidelines. Collection method: curation. Allele origin: germline.

St. Jude Molecular Pathology, St. Jude Children's Research Hospital
Classification: Likely benign for Microcephaly, normal intelligence and immunodeficiency. Last evaluated: 2020-08-19. Review status: criteria provided, single submitter. Criteria: St. Jude Assertion Criteria 2020. Collection method: clinical testing. Allele origin: germline.

Quest Diagnostics Nichols Institute San Juan Capistrano
Classification: Benign. Last evaluated: 2019-08-02. Review status: criteria provided, single submitter. Criteria: Quest Diagnostics criteria. Collection method: clinical testing. Allele origin: unknown.

Mendelics
Classification: Likely benign for Microcephaly, normal intelligence and immunodeficiency. Last evaluated: 2018-07-02. Review status: criteria provided, single submitter. Criteria: Mendelics Assertion Criteria 2017. Collection method: clinical testing. Allele origin: unknown.

GeneDx
Classification: Likely benign. Last evaluated: 2018-01-10. Review status: criteria provided, single submitter. Criteria: GeneDx Variant Classification (06012015). Collection method: clinical testing. Allele origin: germline. Affected: yes.
Comment: This variant is considered likely benign or benign based on one or more of the following criteria: it is a conservative change, it occurs at a poorly conserved position in the protein, it is predicted to be benign by multiple in silico algorithms, and/or has population frequency not consistent with disease.

Eurofins Ntd Llc (ga)
Classification: Likely benign. Last evaluated: 2017-09-28. Review status: criteria provided, single submitter. Criteria: EGL Classification Definitions 2015. Collection method: clinical testing. Allele origin: germline. Observed: 1 variant allele, 1 heterozygote.

PreventionGenetics, part of Exact Sciences
Classification: Likely benign. Last evaluated: 2017-06-15. Review status: criteria provided, single submitter. Criteria: ACMG Guidelines, 2015. Collection method: clinical testing. Allele origin: germline.

Illumina Laboratory Services, Illumina
Classification: Uncertain significance for Microcephaly, normal intelligence and immunodeficiency. Last evaluated: 2017-04-27. Review status: criteria provided, single submitter. Criteria: ICSL Variant Classification Criteria 13 December 2019. Collection method: clinical testing. Allele origin: germline.
Comment: This variant was observed as part of a predisposition screen in an ostensibly healthy population. A literature search was performed for the gene, cDNA change, and amino acid change (where applicable). Publications were found based on this search. However, the evidence from the literature, in combination with allele frequency data from public databases where available, was not sufficient to rule this variant in or out of causing disease. Therefore, this variant is classified as a variant of unknown significance.

Women's Health and Genetics/Laboratory Corporation of America, LabCorp
Classification: Benign. Last evaluated: 2016-04-18. Review status: criteria provided, single submitter. Criteria: LabCorp Variant Classification Summary - May 2015. Collection method: clinical testing. Allele origin: germline.
Comment: Variant summary: The variant of interest causes a missense change involving a conserved nucleotide with 3/4 in silico programs (SNPs&GO not captured here due to low reliability index) predict a "deleterious" outcome. The variant of interest was observed in the large, broad control population, ExAC, with an allele frequency of 225/121130 (1/538), which exceeds the predicted maximum expected allele frequency for a pathogenic NBN variant of 1/8000 for HBOC. The variant of interest has been reported in multiple affected individuals (ALL, OvC, BrC) with limited information ie lack of co-occurrence and co-segregation data. In addition, multiple reputable clinical laboratories cite the variant with a classification of "likely benign/benign." Therefore, taking all available lines of evidence into consideration, the variant of interest is classified as Benign.

Ambry Genetics
Classification: Benign for Hereditary cancer-predisposing syndrome. Last evaluated: 2014-07-24. Review status: criteria provided, single submitter. Criteria: Ambry Variant Classification Scheme 2023. Collection method: clinical testing. Allele origin: germline.

Natera, Inc.
Classification: Benign for Nijmegen breakage syndrome. Last evaluated: 2020-01-15. Review status: no assertion criteria provided. Collection method: clinical testing. Allele origin: germline. Not counted in ClinVar's aggregate classification.

True Health Diagnostics
Classification: Likely benign for Hereditary cancer-predisposing syndrome. Last evaluated: 2018-02-14. Review status: no assertion criteria provided. Collection method: clinical testing. Allele origin: germline. Not counted in ClinVar's aggregate classification.

ITMI
No classification provided. Condition: AllHighlyPenetrant. Last evaluated: 2013-09-19. Review status: no classification provided. Collection method: reference population. Allele origin: germline. Not counted in ClinVar's aggregate classification.
Comment: Please see associated publication for description of ethnicities

NM_002485.5(NBN):c.283G>A (p.Asp95Asn)

Gene: NBN (nibrin; minus strand). Cytogenetic location: 8q21.3.
Variant type: single nucleotide variant.
Coding change: c.283G>A on transcript NM_002485.5 (MANE Select); coding-DNA position 283, G replaced by A.
Protein change: p.Asp95Asn; replaces aspartic acid 95 with asparagine.
Molecular consequence: missense variant.
Genome position (GRCh38, 1-based): chr8:89,981,412, C>T on the plus strand (G>A on the coding strand, the complement: NBN is on the minus strand). VCF-style: chr8-89981412-C-T. GRCh37 (hg19) VCF-style: chr8-90993640-C-T.
Other names: p.D95N:GAT>AAT; c.37G>A, p.Asp13Asn (NM_001024688.3); short protein forms D95N, D13N.
Identifiers: ClinVar variation 127869 (VCV000127869.104), dbSNP rs61753720, ClinGen allele CA160975.
Genomic context (GRCh38, chr8:89,981,412, plus strand): 5'-AAATCAATTTTAAAATGTCTTACCTGAATTTACTTCCAAACACTCCAAAAGTAATACCAT[C>T]CCCCGACTTCAAAGTTCGGGAAAAGCCATTCTGCATTTTTTCCTCATTAACAAAGGTACC-3'
Protein context (NP_002476.2, residues 85-105): NGFSRTLKSG[Asp95Asn]GITFGVFGSK